The following is an entry in ClinVar:

NM_000094.4(COL7A1):c.5591C>T (p.Ala1864Val)

Gene: COL7A1 (collagen type VII alpha 1 chain; minus strand). Cytogenetic location: 3p21.31.
Variant type: single nucleotide variant.
Coding change: c.5591C>T on transcript NM_000094.4 (MANE Select); coding-DNA position 5591, C replaced by T.
Protein change: p.Ala1864Val; replaces alanine 1864 with valine.
Molecular consequence: missense variant.
Genome position (GRCh38, 1-based): chr3:48,576,897, G>A on the plus strand (C>T on the coding strand, the complement: COL7A1 is on the minus strand). VCF-style: chr3-48576897-G-A. GRCh37 (hg19) VCF-style: chr3-48614330-G-A.
Other names: short protein forms A1864V.
Identifiers: ClinVar variation 2200759 (VCV002200759.5), dbSNP rs1425880288, ClinGen allele CA352668993.

ClinVar aggregate classification (germline): Uncertain significance. Review status: criteria provided, multiple submitters, no conflicts (2 of 4 stars). 2 submissions from 2 submitters: Uncertain significance (2). Last evaluated 2025-10-21.

Allele frequency attached by ClinVar (database versions not stated): TOPMed below 0.00001; gnomAD 0.00001.
gnomAD v4.1: 5 of 1,613,932 alleles (0.00031%); highest among the groups gnomAD compares: African/African-American, 0.0013%; no homozygotes.

Submissions (2):

Labcorp Genetics (formerly Invitae), Labcorp
Classification: Uncertain significance. Last evaluated: 2025-10-21. Review status: criteria provided, single submitter. Criteria: Invitae Variant Classification Sherloc (09022015). Collection method: clinical testing. Allele origin: germline.
Comment: This sequence change replaces alanine, which is neutral and non-polar, with valine, which is neutral and non-polar, at codon 1864 of the COL7A1 protein (p.Ala1864Val). This variant is present in population databases (no rsID available, gnomAD 0.002%). This variant has not been reported in the literature in individuals affected with COL7A1-related conditions. ClinVar contains an entry for this variant (Variation ID: 2200759). Invitae Evidence Modeling of protein sequence and biophysical properties (such as structural, functional, and spatial information, amino acid conservation, physicochemical variation, residue mobility, and thermodynamic stability) indicates that this missense variant is not expected to disrupt COL7A1 protein function with a negative predictive value of 95%. In summary, the available evidence is currently insufficient to determine the role of this variant in disease. Therefore, it has been classified as a Variant of Uncertain Significance.

Women's Health and Genetics/Laboratory Corporation of America, LabCorp
Classification: Uncertain significance. Last evaluated: 2025-02-19. Review status: criteria provided, single submitter. Criteria: LabCorp Variant Classification Summary - May 2015. Collection method: clinical testing. Allele origin: germline.